The following is an entry in ClinVar:

ClinVar aggregate classification (germline): Conflicting classifications of pathogenicity. Review status: criteria provided, conflicting classifications (1 of 4 stars). 5 submissions from 5 submitters: Uncertain significance (2); Likely benign (3). Last evaluated 2026-07-16.

Conditions:
Hereditary cancer-predisposing syndrome. Also called: Neoplastic Syndromes, Hereditary; Hereditary Cancer Syndrome; Tumor predisposition; Hereditary neoplastic syndrome. Identifiers: Orphanet 140162, MedGen C0027672, MeSH D009386, MONDO:0015356.
Multiple endocrine neoplasia, type 1 (MEN1). Also called: MEN I; WERMER SYNDROME; Endocrine adenomatosis multiple; MEN 1; MEA I. Identifiers: Orphanet 652, MedGen C0025267, MeSH D018761, MONDO:0007540, OMIM 131100.
Hereditary cancer. Identifiers: MedGen C1333600.

Allele frequency attached by ClinVar (database versions not stated): TOPMed below 0.00001; gnomAD 0.00003 and 0.00001; 1000 Genomes Project 30x 0.00031; 1000 Genomes Project 0.00020.
gnomAD v4.1: 4 of 1,614,018 alleles (0.00025%); highest among the groups gnomAD compares: South Asian, 0.0011%; no homozygotes.

Submissions (5):

Ambry Genetics
Classification: Likely benign for Hereditary cancer-predisposing syndrome. Last evaluated: 2026-07-16. Review status: criteria provided, single submitter. Criteria: Ambry Variant Classification Scheme 2023. Collection method: clinical testing. Allele origin: germline.

Labcorp Genetics (formerly Invitae), Labcorp
Classification: Likely benign for Multiple endocrine neoplasia, type 1. Last evaluated: 2026-01-26. Review status: criteria provided, single submitter. Criteria: Invitae Variant Classification Sherloc (09022015). Collection method: clinical testing. Allele origin: germline.

Baylor Genetics
Classification: Uncertain significance for Multiple Endocrine Neoplasia Type 1. Last evaluated: 2024-03-11. Review status: criteria provided, single submitter. Criteria: ACMG Guidelines, 2015. Collection method: clinical testing. Allele origin: unknown.

GeneDx
Classification: Uncertain significance. Last evaluated: 2024-03-07. Review status: criteria provided, single submitter. Criteria: GeneDx Variant Classification Process June 2021. Collection method: clinical testing. Allele origin: germline. Affected: yes.
Comment: Observed in a patient with breast cancer (PMID: 35264596); In silico analysis supports that this missense variant does not alter protein structure/function; Not observed at significant frequency in large population cohorts (gnomAD); Also known as c.1180C>T; This variant is associated with the following publications: (PMID: 11274402, 12509449, 11526476, 12874027, 9989505, 35264596)

Mendelics
Classification: Likely benign for Hereditary cancer. Last evaluated: 2024-01-23. Review status: criteria provided, single submitter. Criteria: ACMG Guidelines, 2015. Collection method: clinical testing. Allele origin: unknown.

NM_001370259.2(MEN1):c.1165C>T (p.Arg389Trp)

Gene: MEN1 (menin 1; minus strand). Cytogenetic location: 11q13.1.
Variant type: single nucleotide variant.
Coding change: c.1165C>T on transcript NM_001370259.2 (MANE Select); coding-DNA position 1165, C replaced by T.
Protein change: p.Arg389Trp; replaces arginine 389 with tryptophan.
Molecular consequence: missense variant.
Genome position (GRCh38, 1-based): chr11:64,805,655, G>A on the plus strand (C>T on the coding strand, the complement: MEN1 is on the minus strand). VCF-style: chr11-64805655-G-A. GRCh37 (hg19) VCF-style: chr11-64573127-G-A.
Other names: c.1180C>T, p.Arg394Trp (NM_000244.4, NM_130800.3, NM_130801.3 and 3 more transcripts); c.1291C>T, p.Arg431Trp (NM_001370251.2); c.1165C>T, p.Arg389Trp (NM_001370260.2, NM_001370261.2, NM_130799.3); c.1060C>T, p.Arg354Trp (NM_001370262.2, NM_001370263.2); short protein forms R394W, R389W, R431W, R354W.
Identifiers: ClinVar variation 403809 (VCV000403809.20), dbSNP rs566593066, ClinGen allele CA16613614.